The following is an entry in ClinVar:

NM_000395.3(CSF2RB):c.2039G>C (p.Gly680Ala)

Gene: CSF2RB (colony stimulating factor 2 receptor subunit beta; plus strand). Cytogenetic location: 22q12.3.
Variant type: single nucleotide variant.
Coding change: c.2039G>C on transcript NM_000395.3 (MANE Select); coding-DNA position 2039, G replaced by C.
Protein change: p.Gly680Ala; replaces glycine 680 with alanine.
Molecular consequence: missense variant.
Genome position (GRCh38, 1-based): chr22:36,937,847, G>C. VCF-style: chr22-36937847-G-C. GRCh37 (hg19) VCF-style: chr22-37333889-G-C.
Other names: c.2039G>C (NM_000395.2); short protein forms G680A.
Identifiers: ClinVar variation 1366572 (VCV001366572.7), dbSNP rs950609433, ClinGen allele CA324004775.
Genomic context (GRCh38, chr22:36,937,847, plus strand): 5'-AGGGGGCTGCAGGGAGTCCCTCCCTGGAGTCCGGGGGAGGCCCTGCCCCTCCTGCTCTTG[G>C]GCCAAGGGTGGGAGGACAGGACCAAAAGGACAGCCCTGTGGCTATACCCATGAGCTCTGG-3'
Protein context (NP_000386.1, residues 670-690): SGGGPAPPAL[Gly680Ala]PRVGGQDQKD

ClinVar aggregate classification (germline): Uncertain significance. Review status: criteria provided, multiple submitters, no conflicts (2 of 4 stars). 2 submissions from 2 submitters: Uncertain significance (2). Last evaluated 2025-10-07.

Conditions:
Inborn genetic diseases. Identifiers: MedGen C0950123, MeSH D030342.

Allele frequency attached by ClinVar (database versions not stated): TOPMed below 0.00001.

Submissions (2):

Ambry Genetics
Classification: Uncertain significance for Inborn genetic diseases. Last evaluated: 2025-10-07. Review status: criteria provided, single submitter. Criteria: Ambry Variant Classification Scheme 2023. Collection method: clinical testing. Allele origin: germline.

Labcorp Genetics (formerly Invitae), Labcorp
Classification: Uncertain significance. Last evaluated: 2022-08-15. Review status: criteria provided, single submitter. Criteria: Invitae Variant Classification Sherloc (09022015). Collection method: clinical testing. Allele origin: germline.
Comment: In summary, the available evidence is currently insufficient to determine the role of this variant in disease. Therefore, it has been classified as a Variant of Uncertain Significance. Algorithms developed to predict the effect of missense changes on protein structure and function (SIFT, PolyPhen-2, Align-GVGD) all suggest that this variant is likely to be tolerated. ClinVar contains an entry for this variant (Variation ID: 1366572). This variant has not been reported in the literature in individuals affected with CSF2RB-related conditions. This variant is not present in population databases (gnomAD no frequency). This sequence change replaces glycine, which is neutral and non-polar, with alanine, which is neutral and non-polar, at codon 680 of the CSF2RB protein (p.Gly680Ala).